The following is an entry in ClinVar:

ClinVar aggregate classification (germline): Uncertain significance. Review status: criteria provided, multiple submitters, no conflicts (2 of 4 stars). 3 submissions from 3 submitters: Uncertain significance (3). Last evaluated 2026-06-12.

Conditions:
MYH7-related disorder. Also called: MYH7-related disorders; MYH7-related condition; MYH7-related disease.
Cardiovascular phenotype. Identifiers: MedGen CN230736.
Hypertrophic cardiomyopathy. Also called: HYPERTROPHIC MYOCARDIOPATHY. Identifiers: Orphanet 217569, MedGen C0007194, MeSH D002312, MONDO:0005045, HP:0001639.

Submissions (3):

PreventionGenetics, part of Exact Sciences
Classification: Uncertain significance for MYH7-related condition. Last evaluated: 2026-06-12. Review status: criteria provided, single submitter. Criteria: ACMG Guidelines, 2015. Collection method: clinical testing. Allele origin: germline.
Comment: The MYH7 c.3825C>G variant is predicted to result in the amino acid substitution p.Ser1275Arg. To our knowledge, this variant has not been reported in the literature or in a large population database (gnomAD), indicating this variant is rare. An alternate missense change resulting in the same amino acid substitution (c.3825C>A, p.Ser1275Arg) has been reported as a variant of uncertain significance in an individual with hypertrophic cardiomyopathy (Table S3, Jääskeläinen et al. 2019. PubMed ID: 30775854). At this time, the clinical significance of this variant is uncertain due to the absence of conclusive functional and genetic evidence.

Ambry Genetics
Classification: Uncertain significance for Cardiovascular phenotype. Last evaluated: 2026-03-31. Review status: criteria provided, single submitter. Criteria: Ambry Variant Classification Scheme 2023. Collection method: clinical testing. Allele origin: germline.
Comment: The p.S1275R variant (also known as c.3825C>G), located in coding exon 26 of the MYH7 gene, results from a C to G substitution at nucleotide position 3825. The serine at codon 1275 is replaced by arginine, an amino acid with dissimilar properties. This variant was reported in individual(s) with features consistent with hypertrophic cardiomyopathy (J&auml;&auml;skel&auml;inen P et al. ESC Heart Fail, 2019 Apr;6:436-445). This amino acid position is not well conserved in available vertebrate species. In addition, this alteration is predicted to be tolerated by in silico analysis. Based on the available evidence, the clinical significance of this variant remains unclear.

Labcorp Genetics (formerly Invitae), Labcorp
Classification: Uncertain significance for Hypertrophic cardiomyopathy. Last evaluated: 2022-03-08. Review status: criteria provided, single submitter. Criteria: Invitae Variant Classification Sherloc (09022015). Collection method: clinical testing. Allele origin: germline.
Comment: This sequence change replaces serine, which is neutral and polar, with arginine, which is basic and polar, at codon 1275 of the MYH7 protein (p.Ser1275Arg). In summary, the available evidence is currently insufficient to determine the role of this variant in disease. Therefore, it has been classified as a Variant of Uncertain Significance. Algorithms developed to predict the effect of missense changes on protein structure and function (SIFT, PolyPhen-2, Align-GVGD) all suggest that this variant is likely to be tolerated. This variant has not been reported in the literature in individuals affected with MYH7-related conditions. This variant is not present in population databases (gnomAD no frequency).

Literature cited by the submitters: PubMed 30775854 (cited by Ambry Genetics).

NM_000257.4(MYH7):c.3825C>G (p.Ser1275Arg)

Gene: MYH7 (myosin heavy chain 7; minus strand). Cytogenetic location: 14q11.2.
Variant type: single nucleotide variant.
Coding change: c.3825C>G on transcript NM_000257.4 (MANE Select); coding-DNA position 3825, C replaced by G.
Protein change: p.Ser1275Arg; replaces serine 1275 with arginine.
Molecular consequence: missense variant.
Genome position (GRCh38, 1-based): chr14:23,419,511, G>C on the plus strand (C>G on the coding strand, the complement: MYH7 is on the minus strand). VCF-style: chr14-23419511-G-C. GRCh37 (hg19) VCF-style: chr14-23888720-G-C.
Other names: c.3825C>G, p.Ser1275Arg (NM_001407004.1); c.3825C>G (NM_000257.3); short protein forms S1275R.
Identifiers: ClinVar variation 2107611 (VCV002107611.6), dbSNP rs2502261733, ClinGen allele CA389041963.